The following is an entry in ClinVar:

NM_001195518.2(MICU1):c.736G>A (p.Val246Ile)

Gene: MICU1 (mitochondrial calcium uptake 1; minus strand). Cytogenetic location: 10q22.1.
Variant type: single nucleotide variant.
Coding change: c.736G>A on transcript NM_001195518.2 (MANE Select); coding-DNA position 736, G replaced by A.
Protein change: p.Val246Ile; replaces valine 246 with isoleucine.
Molecular consequence: missense variant.
Genome position (GRCh38, 1-based): chr10:72,475,297, C>T on the plus strand (G>A on the coding strand, the complement: MICU1 is on the minus strand). VCF-style: chr10-72475297-C-T. GRCh37 (hg19) VCF-style: chr10-74235055-C-T.
Other names: c.142G>A, p.Val48Ile (NM_001195519.2); c.754G>A, p.Val252Ile (NM_001363513.2); c.742G>A, p.Val248Ile (NM_006077.4); short protein forms V48I, V246I, V248I, V252I.
Identifiers: ClinVar variation 2110575 (VCV002110575.4), dbSNP rs1866082145, ClinGen allele CA377393007.
Genomic context (GRCh38, chr10:72,475,297, plus strand): 5'-TAGTTGGACGATCTCTGTGGCGCATACCCATACTGGTTTGGGAGCGAATGATGCTCTGAA[C>T]CTAATACAGAATCAAACCCACATCCAGAAAAATATTAGGAAGTGAGAAAACATAAACATA-3'
Protein context (NP_001182447.1, residues 236-256): GEVDMEEFEQ[Val246Ile]QSIIRSQTSM

ClinVar aggregate classification (germline): Uncertain significance (1 of 4 stars; one submission).

Submission:

Labcorp Genetics (formerly Invitae), Labcorp
Classification: Uncertain significance. Last evaluated: 2023-10-03. Review status: criteria provided, single submitter. Criteria: Invitae Variant Classification Sherloc (09022015). Collection method: clinical testing. Allele origin: germline.
Comment: This sequence change replaces valine, which is neutral and non-polar, with isoleucine, which is neutral and non-polar, at codon 248 of the MICU1 protein (p.Val248Ile). This variant is not present in population databases (gnomAD no frequency). This variant has not been reported in the literature in individuals affected with MICU1-related conditions. ClinVar contains an entry for this variant (Variation ID: 2110575). Experimental studies and prediction algorithms are not available or were not evaluated, and the functional significance of this variant is currently unknown. In summary, the available evidence is currently insufficient to determine the role of this variant in disease. Therefore, it has been classified as a Variant of Uncertain Significance.